The following is an entry in ClinVar:

ClinVar aggregate classification (germline): Uncertain significance (1 of 4 stars; one submission).

Submission:

GeneDx
Classification: Uncertain significance. Last evaluated: 2024-04-25. Review status: criteria provided, single submitter. Criteria: GeneDx Variant Classification Process June 2021. Collection method: clinical testing. Allele origin: germline. Affected: yes.
Comment: In silico analysis supports that this missense variant has a deleterious effect on protein structure/function; Has not been previously published as pathogenic or benign to our knowledge

NM_001123385.2(BCOR):c.2011C>T (p.Leu671Phe)

Gene: BCOR (BCL6 corepressor; minus strand). Cytogenetic location: Xp11.4.
Variant type: single nucleotide variant.
Coding change: c.2011C>T on transcript NM_001123385.2 (MANE Select); coding-DNA position 2011, C replaced by T.
Protein change: p.Leu671Phe; replaces leucine 671 with phenylalanine.
Molecular consequence: missense variant.
Genome position (GRCh38, 1-based): chrX:40,073,335, G>A on the plus strand (C>T on the coding strand, the complement: BCOR is on the minus strand). VCF-style: chrX-40073335-G-A. GRCh37 (hg19) VCF-style: chrX-39932588-G-A.
Other names: c.2011C>T, p.Leu671Phe (NM_001123383.2, NM_001123384.2, NM_017745.6); short protein forms L671F.
Identifiers: ClinVar variation 3373136 (VCV003373136.1).